The following is an entry in ClinVar:

NM_000458.4(HNF1B):c.1055A>G (p.Tyr352Cys)

Gene: HNF1B (HNF1 homeobox B; minus strand). Cytogenetic location: 17q12.
Variant type: single nucleotide variant.
Coding change: c.1055A>G on transcript NM_000458.4 (MANE Select); coding-DNA position 1055, A replaced by G.
Protein change: p.Tyr352Cys; replaces tyrosine 352 with cysteine.
Molecular consequence: missense variant.
Genome position (GRCh38, 1-based): chr17:37,710,654, T>C on the plus strand (A>G on the coding strand, the complement: HNF1B is on the minus strand). VCF-style: chr17-37710654-T-C. GRCh37 (hg19) VCF-style: chr17-36070662-T-C.
Other names: c.977A>G, p.Tyr326Cys (NM_001165923.4, NM_001304286.2); short protein forms Y352C, Y326C.
Identifiers: ClinVar variation 635608 (VCV000635608.1), dbSNP rs2147474151, ClinGen allele CA398759985.

ClinVar aggregate classification (germline): Likely pathogenic (1 of 4 stars; one submission).

Conditions:
Renal cysts and diabetes syndrome (RCAD). Also called: Familial hypoplastic, glomerulocystic kidney; MATURITY-ONSET DIABETES OF THE YOUNG, TYPE 5. Identifiers: Orphanet 93111, MedGen C0431693, MONDO:0007669, OMIM 137920.

Submission:

Institute of Human Genetics, FAU Erlangen, Friedrich-Alexander-Universität Erlangen-Nürnberg
Classification: Likely pathogenic for Renal cysts and diabetes syndrome. Last evaluated: 2019-07-06. Review status: criteria provided, single submitter. Criteria: ACMG Guidelines, 2015. Collection method: literature only. Allele origin: germline. Affected: yes.
Comment: This variant and it's classification has been reported by Vasileiou et al. 2019; DOI:10.1101/576918. The variants has previously been reported in PMID:28420700 as "c.1055A>G,p.Tyr352Cys" with clinical significance Pathogenic. It has been re-classified using InterVar and manual curation as Likely pathogenic based on PM1 PM2 PP3 PP5.

Literature cited by the submitters: PubMed 28420700; DOI 10.1101/576918.